The following is an entry in ClinVar:

ClinVar aggregate classification (germline): Conflicting classifications of pathogenicity. Review status: criteria provided, conflicting classifications (1 of 4 stars). 2 submissions from 2 submitters: Likely pathogenic (1); Uncertain significance (1). Last evaluated 2022-03-14.

Conditions:
CRB1-related disorder. Also called: CRB1-related disorders; CRB1-related condition.
Retinitis pigmentosa 12 (RP12). Also called: RP WITH OR WITHOUT PPRPE; RP WITH OR WITHOUT PRESERVED PARAARTERIOLE RETINAL PIGMENT EPITHELIUM; RETINITIS PIGMENTOSA WITH OR WITHOUT PARAARTERIOLAR PRESERVATION OF RETINAL PIGMENT EPITHELIUM. Identifiers: Orphanet 791, MedGen C1838647, MONDO:0010818, OMIM 600105.
Leber congenital amaurosis 8 (LCA8). Identifiers: Orphanet 65, MedGen C3151202, MONDO:0013453, OMIM 613835.

Allele frequency attached by ClinVar (database versions not stated): TOPMed below 0.00001; gnomAD 0.00001; gnomAD exomes 0.00001; ExAC 0.00002.
gnomAD v4.1: 20 of 1,613,882 alleles (0.0012%); highest among the groups gnomAD compares: Non-Finnish European, 0.0016%; no homozygotes.

Submissions (2):

Labcorp Genetics (formerly Invitae), Labcorp
Classification: Uncertain significance for Leber congenital amaurosis 8; Retinitis pigmentosa 12. Last evaluated: 2022-03-14. Review status: criteria provided, single submitter. Criteria: Invitae Variant Classification Sherloc (09022015). Collection method: clinical testing. Allele origin: germline.
Comment: This sequence change replaces glutamic acid, which is acidic and polar, with glycine, which is neutral and non-polar, at codon 768 of the CRB1 protein (p.Glu768Gly). This variant is present in population databases (rs771264436, gnomAD 0.002%). This variant has not been reported in the literature in individuals affected with CRB1-related conditions. ClinVar contains an entry for this variant (Variation ID: 972066). Advanced modeling of protein sequence and biophysical properties (such as structural, functional, and spatial information, amino acid conservation, physicochemical variation, residue mobility, and thermodynamic stability) performed at Invitae indicates that this missense variant is expected to disrupt CRB1 protein function. In summary, the available evidence is currently insufficient to determine the role of this variant in disease. Therefore, it has been classified as a Variant of Uncertain Significance.

Blueprint Genetics
Classification: Likely pathogenic for CRB1-related disorders. Last evaluated: 2019-12-19. Review status: criteria provided, single submitter. Criteria: ACMG Guidelines, 2015. Collection method: clinical testing. Allele origin: germline. Affected: yes. Observed: 1 variant allele.

NM_201253.3(CRB1):c.2303A>G (p.Glu768Gly)

Gene: CRB1 (crumbs cell polarity complex component 1; plus strand). Cytogenetic location: 1q31.3.
Variant type: single nucleotide variant.
Coding change: c.2303A>G on transcript NM_201253.3 (MANE Select); coding-DNA position 2303, A replaced by G.
Protein change: p.Glu768Gly; replaces glutamic acid 768 with glycine.
Molecular consequence: missense variant. On other transcripts: non-coding transcript variant (2), intron variant (1).
Genome position (GRCh38, 1-based): chr1:197,427,628, A>G. VCF-style: chr1-197427628-A-G. GRCh37 (hg19) VCF-style: chr1-197396758-A-G.
Other names: c.1967A>G, p.Glu656Gly (NM_001193640.2); c.2096A>G, p.Glu699Gly (NM_001257965.2); c.2128+5672A>G (NM_001257966.2); short protein forms E656G, E699G, E768G.
Identifiers: ClinVar variation 972066 (VCV000972066.8), dbSNP rs771264436, ClinGen allele CA1312094.